The following is an entry in ClinVar:

ClinVar aggregate classification (germline): Uncertain significance (1 of 4 stars; one submission).

gnomAD v4.1: 2 of 1,583,716 alleles (0.00013%); highest among the groups gnomAD compares: Non-Finnish European, 0.00017%; no homozygotes.

Submission:

Labcorp Genetics (formerly Invitae), Labcorp
Classification: Uncertain significance. Last evaluated: 2024-03-19. Review status: criteria provided, single submitter. Criteria: Invitae Variant Classification Sherloc (09022015). Collection method: clinical testing. Allele origin: germline.
Comment: This sequence change replaces arginine, which is basic and polar, with leucine, which is neutral and non-polar, at codon 37 of the TBX6 protein (p.Arg37Leu). The frequency data for this variant in the population databases is considered unreliable, as metrics indicate poor data quality at this position in the gnomAD database. This variant has not been reported in the literature in individuals affected with TBX6-related conditions. An algorithm developed to predict the effect of missense changes on protein structure and function (PolyPhen-2) suggests that this variant is likely to be tolerated. In summary, the available evidence is currently insufficient to determine the role of this variant in disease. Therefore, it has been classified as a Variant of Uncertain Significance.

NM_004608.4(TBX6):c.110G>T (p.Arg37Leu)

Gene: TBX6 (T-box transcription factor 6; minus strand). Cytogenetic location: 16p11.2.
Variant type: single nucleotide variant.
Coding change: c.110G>T on transcript NM_004608.4 (MANE Select); coding-DNA position 110, G replaced by T.
Protein change: p.Arg37Leu; replaces arginine 37 with leucine.
Molecular consequence: missense variant.
Genome position (GRCh38, 1-based): chr16:30,091,084, C>A on the plus strand (G>T on the coding strand, the complement: TBX6 is on the minus strand). VCF-style: chr16-30091084-C-A. GRCh37 (hg19) VCF-style: chr16-30102405-C-A.
Other names: short protein forms R37L.
Identifiers: ClinVar variation 3715749 (VCV003715749.2).